The following is an entry in ClinVar:

ClinVar aggregate classification (germline): Likely benign (1 of 4 stars; one submission).

Submission:

GeneDx
Classification: Likely benign. Last evaluated: 2022-06-07. Review status: criteria provided, single submitter. Criteria: GeneDx Variant Classification Process June 2021. Collection method: clinical testing. Allele origin: germline. Affected: yes.
Comment: In silico analysis supports that this variant does not alter splicing; Nucleotide substitution has no predicted effect on splicing and is not conserved across species

NM_007074.4(CORO1A):c.1066-10T>G

Gene: CORO1A (coronin 1A; plus strand). Cytogenetic location: 16p11.2.
Variant type: single nucleotide variant.
Coding change: c.1066-10T>G on transcript NM_007074.4 (MANE Select); 10 bases into the intron before coding-DNA position 1066, T replaced by G.
Molecular consequence: intron variant.
Genome position (GRCh38, 1-based): chr16:30,188,351, T>G. VCF-style: chr16-30188351-T-G. GRCh37 (hg19) VCF-style: chr16-30199672-T-G.
Other names: c.1066-10T>G (NM_001193333.3).
Identifiers: ClinVar variation 450116 (VCV000450116.5), dbSNP rs376818272, ClinGen allele CA658658464.
Genomic context (GRCh38, chr16:30,188,351, plus strand): 5'-TGACTTTGCGGTCTTGTGGGGGGTGTCCTGGCATAAGCGCTTTCCTCACTATCCCTGGCC[T>G]TGCCCACAGTCGGACCTGTTCCAGGAGGACCTGTACCCACCCACCGCAGGGCCCGACCCT-3'